The following is an entry in ClinVar:

NM_004360.5(CDH1):c.2553A>G (p.Ser851=)

Gene: CDH1 (cadherin 1; plus strand). Cytogenetic location: 16q22.1.
Variant type: single nucleotide variant.
Coding change: c.2553A>G on transcript NM_004360.5 (MANE Select); coding-DNA position 2553, A replaced by G.
Protein change: p.Ser851=; no amino-acid change (serine 851 retained).
Molecular consequence: synonymous variant.
Genome position (GRCh38, 1-based): chr16:68,833,403, A>G. VCF-style: chr16-68833403-A-G. GRCh37 (hg19) VCF-style: chr16-68867306-A-G.
Other names: c.2553A>G (LRG_301t1, NM_004360.4); c.2370A>G, p.Ser790= (NM_001317184.2); c.1005A>G, p.Ser335= (NM_001317185.2); c.588A>G, p.Ser196= (NM_001317186.2).
Identifiers: ClinVar variation 463770 (VCV000463770.14), dbSNP rs1555518253, ClinGen allele CA496393144.

ClinVar aggregate classification (germline): Benign/Likely benign. Review status: criteria provided, multiple submitters, no conflicts (2 of 4 stars). 5 submissions from 5 submitters: Benign (1); Likely benign (3). 1 of the submissions does not count toward it. Last evaluated 2025-02-02.

Conditions:
CDH1-related disorder. Also called: CDH1-related condition.
Hereditary cancer-predisposing syndrome. Also called: Hereditary neoplastic syndrome; Neoplastic Syndromes, Hereditary; Tumor predisposition; Hereditary Cancer Syndrome. Identifiers: Orphanet 140162, MedGen C0027672, MeSH D009386, MONDO:0015356.
Hereditary diffuse gastric adenocarcinoma (HDGC). Also called: DIFFUSE GASTRIC AND LOBULAR BREAST CANCER SYNDROME. Identifiers: Orphanet 26106, MedGen C1708349, MONDO:0007648, OMIM 137215.

Allele frequency attached by ClinVar (database versions not stated): gnomAD exomes below 0.00001.
gnomAD v4.1: 2 of 1,614,180 alleles (0.00012%); highest among the groups gnomAD compares: Non-Finnish European, 0.00017%; no homozygotes.

Submissions (5):

Ambry Genetics
Classification: Likely benign for Hereditary cancer-predisposing syndrome. Last evaluated: 2025-02-02. Review status: criteria provided, single submitter. Criteria: Ambry Variant Classification Scheme 2023. Collection method: clinical testing. Allele origin: germline.

Myriad Genetics, Inc.
Classification: Benign for Hereditary diffuse gastric adenocarcinoma. Last evaluated: 2024-09-24. Review status: criteria provided, single submitter. Criteria: Myriad Autosomal Dominant, Autosomal Recessive and X-Linked Classification Criteria (2023). Collection method: clinical testing. Allele origin: unknown.
Comment: This variant is considered benign. This variant is a silent/synonymous amino acid change and it is not expected to impact splicing.

Labcorp Genetics (formerly Invitae), Labcorp
Classification: Likely benign for Hereditary diffuse gastric adenocarcinoma. Last evaluated: 2023-11-25. Review status: criteria provided, single submitter. Criteria: Invitae Variant Classification Sherloc (09022015). Collection method: clinical testing. Allele origin: germline.

Sema4
Classification: Likely benign for Hereditary cancer-predisposing syndrome. Last evaluated: 2021-06-14. Review status: criteria provided, single submitter. Criteria: Sema4 Curation Guidelines. Collection method: curation. Allele origin: germline.

PreventionGenetics, part of Exact Sciences
Classification: Likely benign for CDH1-related condition. Last evaluated: 2021-12-28. Review status: no assertion criteria provided. Collection method: clinical testing. Allele origin: germline. Not counted in ClinVar's aggregate classification.
Comment: This variant is classified as likely benign based on ACMG/AMP sequence variant interpretation guidelines (Richards et al. 2015 PMID: 25741868, with internal and published modifications).